The following is an entry in ClinVar:

NM_015346.4(ZFYVE26):c.5028dup (p.Asn1677Ter)

Gene: ZFYVE26 (zinc finger FYVE-type containing 26; minus strand). Cytogenetic location: 14q24.1.
Variant type: Duplication.
Coding change: c.5028dup on transcript NM_015346.4 (MANE Select); coding-DNA position 5028, one base duplicated (T; older notation c.5028dupT).
Protein change: p.Asn1677Ter; replaces asparagine 1677 with a stop codon.
Molecular consequence: nonsense.
Genome position (GRCh38, 1-based): chr14:67,776,053, A duplicated on the plus strand (T on the coding strand, the reverse complement: ZFYVE26 is on the minus strand). VCF-style (leftmost placement, unchanged base first): chr14-67776052-T-TA. GRCh37 (hg19) VCF-style: chr14-68242769-T-TA.
Other names: short protein forms N1677*.
Identifiers: ClinVar variation 1068816 (VCV001068816.7), dbSNP rs2140212599, ClinGen allele CA2499222704.
Genomic context (GRCh38, chr14:67,776,052, plus strand): 5'-CCACAGTGGCCCAATCCACCTTCATGTTCATAAGCAGCTGCTCCAGCATGAACAGGGGGT[T>TA]AGAGGACAAGTGGGAATAGCTGGCCCGGTGCTGCTCAGGCAGGGTCAGCAGAATCTGTTT-3'

ClinVar aggregate classification (germline): Pathogenic (1 of 4 stars; one submission).

Conditions:
Spastic paraplegia. Identifiers: MedGen C0037772, HP:0001258.

Submission:

Labcorp Genetics (formerly Invitae), Labcorp
Classification: Pathogenic for Spastic paraplegia. Last evaluated: 2020-03-20. Review status: criteria provided, single submitter. Criteria: Invitae Variant Classification Sherloc (09022015). Collection method: clinical testing. Allele origin: germline.
Comment: This sequence change creates a premature translational stop signal (p.Asn1677*) in the ZFYVE26 gene. It is expected to result in an absent or disrupted protein product. This variant is not present in population databases (ExAC no frequency). For these reasons, this variant has been classified as Pathogenic. Loss-of-function variants in ZFYVE26 are known to be pathogenic (PMID: 18394578, 19805727). This variant has not been reported in the literature in individuals with ZFYVE26-related conditions.

Literature cited by the submitters: PubMed 18394578; PubMed 19805727.